The following is an entry in ClinVar:

NM_002133.3(HMOX1):c.429G>A (p.Gly143=)

Gene: HMOX1 (heme oxygenase 1; plus strand). Cytogenetic location: 22q12.3.
Variant type: single nucleotide variant.
Coding change: c.429G>A on transcript NM_002133.3 (MANE Select); coding-DNA position 429, G replaced by A.
Protein change: p.Gly143=; no amino-acid change (glycine 143 retained).
Molecular consequence: synonymous variant.
Genome position (GRCh38, 1-based): chr22:35,386,969, G>A. VCF-style: chr22-35386969-G-A. GRCh37 (hg19) VCF-style: chr22-35782962-G-A.
Other names: p.Gly143=.
Identifiers: ClinVar variation 1604430 (VCV001604430.9), dbSNP rs147312533, ClinGen allele CA10204725.

ClinVar aggregate classification (germline): Likely benign. Review status: criteria provided, multiple submitters, no conflicts (2 of 4 stars). 2 submissions from 2 submitters: Likely benign (2). Last evaluated 2025-12-22.

Allele frequency attached by ClinVar (database versions not stated): gnomAD exomes 0.00001 and 0.00002; ExAC 0.00002; gnomAD 0.00011 and 0.00014; TOPMed 0.00012; ESP Exome Variant Server 0.00015.

Submissions (2):

Labcorp Genetics (formerly Invitae), Labcorp
Classification: Likely benign. Last evaluated: 2025-12-22. Review status: criteria provided, single submitter. Criteria: Invitae Variant Classification Sherloc (09022015). Collection method: clinical testing. Allele origin: germline.

Mayo Clinic Laboratories, Mayo Clinic
Classification: Likely benign. Last evaluated: 2025-05-27. Review status: criteria provided, single submitter. Criteria: ACMG Guidelines, 2015. Collection method: clinical testing. Allele origin: germline. Observed: 1 variant allele.
Comment: BP4, BP7, PM2_supporting